The following is an entry in ClinVar:

ClinVar aggregate classification (germline): Uncertain significance. Review status: criteria provided, multiple submitters, no conflicts (2 of 4 stars). 2 submissions from 2 submitters: Uncertain significance (2). Last evaluated 2025-07-15.

Conditions:
Amyotrophic lateral sclerosis type 1 (ALS1). Also called: AMYOTROPHIC LATERAL SCLEROSIS 1, FAMILIAL. Identifiers: Orphanet 803, MedGen C1862939, MONDO:0007103, OMIM 105400.
Perry syndrome. Also called: PARKINSONISM WITH ALVEOLAR HYPOVENTILATION AND MENTAL DEPRESSION. Identifiers: Orphanet 178509, MedGen C1868594, MONDO:0008201, OMIM 168605.
Neuronopathy, distal hereditary motor, type 7B. Also called: HMN VIIB; NEURONOPATHY, DISTAL HEREDITARY MOTOR, AUTOSOMAL DOMINANT 14; NEURONOPATHY, DISTAL HEREDITARY MOTOR, HARDING TYPE VIIB; NEUROPATHY, DISTAL HEREDITARY MOTOR, HARDING TYPE VIIB; NEUROPATHY, DISTAL HEREDITARY MOTOR, WITH VOCAL CORD PARALYSIS, HARDING TYPE VIIB; LOWER MOTOR NEURON DISEASE, DYNACTIN TYPE. Identifiers: Orphanet 139589, MedGen C1843315, MONDO:0011879, OMIM 607641.

Allele frequency attached by ClinVar (database versions not stated): TOPMed below 0.00001; ExAC 0.00001; gnomAD exomes 0.00001 and 0.00002.
gnomAD v4.1: 9 of 1,614,226 alleles (0.00056%); no homozygotes.

Submissions (2):

Labcorp Genetics (formerly Invitae), Labcorp
Classification: Uncertain significance for Amyotrophic lateral sclerosis type 1; Neuronopathy, distal hereditary motor, type 7B; Perry syndrome. Last evaluated: 2025-07-15. Review status: criteria provided, single submitter. Criteria: Invitae Variant Classification Sherloc (09022015). Collection method: clinical testing. Allele origin: germline.
Comment: This sequence change replaces valine, which is neutral and non-polar, with isoleucine, which is neutral and non-polar, at codon 764 of the DCTN1 protein (p.Val764Ile). This variant is present in population databases (rs753618444, gnomAD 0.04%). This variant has not been reported in the literature in individuals affected with DCTN1-related conditions. ClinVar contains an entry for this variant (Variation ID: 565854). Invitae Evidence Modeling of protein sequence and biophysical properties (such as structural, functional, and spatial information, amino acid conservation, physicochemical variation, residue mobility, and thermodynamic stability) indicates that this missense variant is not expected to disrupt DCTN1 protein function with a negative predictive value of 95%. In summary, the available evidence is currently insufficient to determine the role of this variant in disease. Therefore, it has been classified as a Variant of Uncertain Significance.

Athena Diagnostics
Classification: Uncertain significance. Last evaluated: 2020-03-17. Review status: criteria provided, single submitter. Criteria: Athena Diagnostics Criteria. Collection method: clinical testing. Allele origin: unknown.

NM_004082.5(DCTN1):c.2290G>A (p.Val764Ile)

Gene: DCTN1 (dynactin subunit 1; minus strand). Cytogenetic location: 2p13.1.
Variant type: single nucleotide variant.
Coding change: c.2290G>A on transcript NM_004082.5 (MANE Select); coding-DNA position 2290, G replaced by A.
Protein change: p.Val764Ile; replaces valine 764 with isoleucine.
Molecular consequence: missense variant. On other transcripts: non-coding transcript variant (1).
Genome position (GRCh38, 1-based): chr2:74,367,071, C>T on the plus strand (G>A on the coding strand, the complement: DCTN1 is on the minus strand). VCF-style: chr2-74367071-C-T. GRCh37 (hg19) VCF-style: chr2-74594198-C-T.
Other names: c.2230G>A, p.Val744Ile (NM_001135040.3); c.1888G>A, p.Val630Ile (NM_001135041.3, NM_023019.4); c.2179G>A, p.Val727Ile (NM_001190836.2); c.2269G>A, p.Val757Ile (NM_001190837.2); c.2239G>A, p.Val747Ile (NM_001378991.1); c.2221G>A, p.Val741Ile (NM_001378992.1); short protein forms V764I, V630I, V727I, V744I, V757I, V741I, V747I.
Identifiers: ClinVar variation 565854 (VCV000565854.12), dbSNP rs753618444, ClinGen allele CA1721886.